The following is an entry in ClinVar:

ClinVar aggregate classification (germline): Uncertain significance. Review status: criteria provided, multiple submitters, no conflicts (2 of 4 stars). 3 submissions from 3 submitters: Uncertain significance (3). Last evaluated 2025-09-23.

Conditions:
Ataxia-telangiectasia syndrome (AT). Also called: ATAXIA-TELANGIECTASIA, FRESNO VARIANT; ATAXIA-TELANGIECTASIA, COMPLEMENTATION GROUP A; Ataxia-telangiectasia, complementation group D; AT, COMPLEMENTATION GROUP C; Ataxia telangiectasia (A-T); LOUIS-BAR SYNDROME. Identifiers: Orphanet 100, MedGen C0004135, MONDO:0008840, OMIM 208900.
Familial cancer of breast. Also called: BREAST CANCER, FAMILIAL; Hereditary breast cancer; hereditary breast carcinoma. Identifiers: Orphanet 227535, MedGen C0346153, MONDO:0016419, OMIM 114480. Disease mechanism: loss of function.
Hereditary cancer-predisposing syndrome. Also called: Neoplastic Syndromes, Hereditary; Hereditary Cancer Syndrome; Tumor predisposition; Hereditary neoplastic syndrome. Identifiers: Orphanet 140162, MedGen C0027672, MeSH D009386, MONDO:0015356.

Submissions (3):

Labcorp Genetics (formerly Invitae), Labcorp
Classification: Uncertain significance for Ataxia-telangiectasia syndrome. Last evaluated: 2025-09-23. Review status: criteria provided, single submitter. Criteria: Invitae Variant Classification Sherloc (09022015). Collection method: clinical testing. Allele origin: germline.
Comment: This sequence change replaces leucine, which is neutral and non-polar, with serine, which is neutral and polar, at codon 1157 of the ATM protein (p.Leu1157Ser). This variant is not present in population databases (gnomAD no frequency). This variant has not been reported in the literature in individuals affected with ATM-related conditions. ClinVar contains an entry for this variant (Variation ID: 1431560). Invitae Evidence Modeling of protein sequence and biophysical properties (such as structural, functional, and spatial information, amino acid conservation, physicochemical variation, residue mobility, and thermodynamic stability) indicates that this missense variant is not expected to disrupt ATM protein function with a negative predictive value of 95%. In summary, the available evidence is currently insufficient to determine the role of this variant in disease. Therefore, it has been classified as a Variant of Uncertain Significance.

Baylor Genetics
Classification: Uncertain significance for Familial cancer of breast. Last evaluated: 2023-10-09. Review status: criteria provided, single submitter. Criteria: ACMG Guidelines, 2015. Collection method: clinical testing. Allele origin: unknown.

Ambry Genetics
Classification: Uncertain significance for Hereditary cancer-predisposing syndrome. Last evaluated: 2023-09-28. Review status: criteria provided, single submitter. Criteria: Ambry Variant Classification Scheme 2023. Collection method: clinical testing. Allele origin: germline.
Comment: The p.L1157S variant (also known as c.3470T>C), located in coding exon 23 of the ATM gene, results from a T to C substitution at nucleotide position 3470. The leucine at codon 1157 is replaced by serine, an amino acid with dissimilar properties. This amino acid position is conserved. In addition, this alteration is predicted to be tolerated by in silico analysis. Since supporting evidence is limited at this time, the clinical significance of this alteration remains unclear.

NM_000051.4(ATM):c.3470T>C (p.Leu1157Ser)

Gene: ATM (ATM serine/threonine kinase; plus strand). Cytogenetic location: 11q22.3.
Variant type: single nucleotide variant.
Coding change: c.3470T>C on transcript NM_000051.4 (MANE Select); coding-DNA position 3470, T replaced by C.
Protein change: p.Leu1157Ser; replaces leucine 1157 with serine.
Molecular consequence: missense variant.
Genome position (GRCh38, 1-based): chr11:108,281,062, T>C. VCF-style: chr11-108281062-T-C. GRCh37 (hg19) VCF-style: chr11-108151789-T-C.
Other names: c.3470T>C, p.Leu1157Ser (NM_001351834.2); c.3470T>C (NM_000051.3); short protein forms L1157S.
Identifiers: ClinVar variation 1431560 (VCV001431560.10), dbSNP rs2135667225, ClinGen allele CA382519444.